The following is an entry in ClinVar:

ClinVar aggregate classification (germline): Uncertain significance. Review status: criteria provided, multiple submitters, no conflicts (2 of 4 stars). 2 submissions from 2 submitters: Uncertain significance (2). Last evaluated 2025-10-26.

Conditions:
Early Myoclonic Encephalopathy. Identifiers: MedGen C0270855.

Allele frequency attached by ClinVar (database versions not stated): gnomAD exomes 0.00002 and 0.00005; ExAC 0.00003; ESP Exome Variant Server 0.00008; TOPMed 0.00012; gnomAD 0.00013 and 0.00014.
gnomAD v4.1: 59 of 1,614,026 alleles (0.0037%); highest among the groups gnomAD compares: African/African-American, 0.052%; no homozygotes.

Submissions (2):

Labcorp Genetics (formerly Invitae), Labcorp
Classification: Uncertain significance for Early Myoclonic Encephalopathy. Last evaluated: 2025-10-26. Review status: criteria provided, single submitter. Criteria: Invitae Variant Classification Sherloc (09022015). Collection method: clinical testing. Allele origin: germline.
Comment: This sequence change replaces proline, which is neutral and non-polar, with serine, which is neutral and polar, at codon 737 of the JMJD1C protein (p.Pro737Ser). This variant is present in population databases (rs375902893, gnomAD 0.03%). This variant has not been reported in the literature in individuals affected with JMJD1C-related conditions. ClinVar contains an entry for this variant (Variation ID: 946591). Invitae Evidence Modeling of protein sequence and biophysical properties (such as structural, functional, and spatial information, amino acid conservation, physicochemical variation, residue mobility, and thermodynamic stability) indicates that this missense variant is not expected to disrupt JMJD1C protein function with a negative predictive value of 80%. In summary, the available evidence is currently insufficient to determine the role of this variant in disease. Therefore, it has been classified as a Variant of Uncertain Significance.

Ambry Genetics
Classification: Uncertain significance. Last evaluated: 2025-03-18. Review status: criteria provided, single submitter. Criteria: Ambry Variant Classification Scheme 2023. Collection method: clinical testing. Allele origin: germline.

NM_032776.3(JMJD1C):c.2209C>T (p.Pro737Ser)

Gene: JMJD1C (jumonji domain containing 1C; minus strand). Cytogenetic location: 10q21.3.
Variant type: single nucleotide variant.
Coding change: c.2209C>T on transcript NM_032776.3 (MANE Select); coding-DNA position 2209, C replaced by T.
Protein change: p.Pro737Ser; replaces proline 737 with serine.
Molecular consequence: missense variant. On other transcripts: non-coding transcript variant (1).
Genome position (GRCh38, 1-based): chr10:63,213,958, G>A on the plus strand (C>T on the coding strand, the complement: JMJD1C is on the minus strand). VCF-style: chr10-63213958-G-A. GRCh37 (hg19) VCF-style: chr10-64973718-G-A.
Other names: c.1663C>T, p.Pro555Ser (NM_001282948.2, NM_001318154.2); c.1345C>T, p.Pro449Ser (NM_001318153.2); c.2095C>T, p.Pro699Ser (NM_001322252.2); c.1552C>T, p.Pro518Ser (NM_001322254.2, NM_001322258.2); c.2209C>T (NM_032776.1); short protein forms P699S, P737S, P555S, P449S, P518S.
Identifiers: ClinVar variation 946591 (VCV000946591.10), dbSNP rs375902893, ClinGen allele CA5518671.